The following is an entry in ClinVar:

ClinVar aggregate classification (germline): Uncertain significance (1 of 4 stars; one submission).

Conditions:
Familial thoracic aortic aneurysm and aortic dissection (TAAD). Also called: Thoracic aortic aneurysms and dissections. Identifiers: Orphanet 91387, MedGen C4707243, MONDO:0019625.

Submission:

Color Diagnostics, LLC DBA Color Health
Classification: Uncertain significance for Familial thoracic aortic aneurysm and aortic dissection. Last evaluated: 2021-04-02. Review status: criteria provided, single submitter. Criteria: ACMG Guidelines, 2015. Collection method: clinical testing. Allele origin: germline.
Comment: This variant causes a T to A nucleotide substitution at the -10 position of intron 39 of the COL3A1 gene. Splice site prediction tools are inconclusive regarding the impact of this variant on RNA splicing. To our knowledge, functional studies have not been reported for this variant. This variant has not been reported in individuals affected with cardiovascular disorders in the literature. This variant has not been identified in the general population by the Genome Aggregation Database (gnomAD). The available evidence is insufficient to determine the role of this variant in disease conclusively. Therefore, this variant is classified as a Variant of Uncertain Significance.

NM_000090.4(COL3A1):c.2824-10T>A

Gene: COL3A1 (collagen type III alpha 1 chain; plus strand). Cytogenetic location: 2q32.2.
Variant type: single nucleotide variant.
Coding change: c.2824-10T>A on transcript NM_000090.4 (MANE Select); 10 bases into the intron before coding-DNA position 2824, T replaced by A.
Molecular consequence: intron variant.
Genome position (GRCh38, 1-based): chr2:189,004,247, T>A. VCF-style: chr2-189004247-T-A. GRCh37 (hg19) VCF-style: chr2-189868973-T-A.
Identifiers: ClinVar variation 1332226 (VCV001332226.2), dbSNP rs2153503519, ClinGen allele CA2573051819.